The following is an entry in ClinVar:

NM_001168302.2(KLHL13):c.1509G>A (p.Ala503=)

Gene: KLHL13 (kelch like family member 13; minus strand). Cytogenetic location: Xq24.
Variant type: single nucleotide variant.
Coding change: c.1509G>A on transcript NM_001168302.2 (MANE Select); coding-DNA position 1509, G replaced by A.
Protein change: p.Ala503=; no amino-acid change (alanine 503 retained).
Molecular consequence: synonymous variant.
Genome position (GRCh38, 1-based): chrX:117,899,319, C>T on the plus strand (G>A on the coding strand, the complement: KLHL13 is on the minus strand). VCF-style: chrX-117899319-C-T. GRCh37 (hg19) VCF-style: chrX-117033282-C-T.
Other names: c.1566G>A, p.Ala522= (NM_001168299.2); c.1539G>A, p.Ala513= (NM_001168300.2); c.1509G>A, p.Ala503= (NM_001168301.2); c.1404G>A, p.Ala468= (NM_001168303.4); c.1557G>A, p.Ala519= (NM_001394863.1, NM_033495.4); c.1530G>A, p.Ala510= (NM_001394864.1); c.1422G>A, p.Ala474= (NM_001394866.1).
Identifiers: ClinVar variation 2661256 (VCV002661256.24), dbSNP rs1164328704, ClinGen allele CA518315356.

ClinVar aggregate classification (germline): Likely benign (1 of 4 stars; one submission).

Allele frequency attached by ClinVar (database versions not stated): TOPMed 0.00001; gnomAD exomes 0.00002; gnomAD 0.00004.
gnomAD v4.1: 26 of 1,209,150 alleles (0.0022%); highest among the groups gnomAD compares: African/African-American, 0.0035%; no homozygotes.

Submission:

CeGaT Center for Human Genetics Tuebingen
Classification: Likely benign. Last evaluated: 2022-04-01. Review status: criteria provided, single submitter. Criteria: CeGaT Center For Human Genetics Tuebingen Variant Classification Criteria Version 2. Collection method: clinical testing. Allele origin: germline. Affected: yes. Observed: 1 variant allele.
Comment: KLHL13: BP4, BP7